The following is an entry in ClinVar:

ClinVar aggregate classification (germline): Uncertain significance (1 of 4 stars; one submission).

gnomAD v4.1: 2 of 1,614,054 alleles (0.00012%); highest among the groups gnomAD compares: Admixed American, 0.0033%; no homozygotes.

Submission:

GeneDx
Classification: Uncertain significance. Last evaluated: 2025-03-24. Review status: criteria provided, single submitter. Criteria: GeneDx Variant Classification Process June 2021. Collection method: clinical testing. Allele origin: germline. Affected: yes.
Comment: Not observed at significant frequency in large population cohorts (gnomAD); In silico analysis indicates that this missense variant does not alter protein structure/function; Has not been previously published as pathogenic or benign to our knowledge

NM_182961.4(SYNE1):c.9212A>G (p.Lys3071Arg)

Gene: SYNE1 (spectrin repeat containing nuclear envelope protein 1; minus strand). Cytogenetic location: 6q25.2.
Variant type: single nucleotide variant.
Coding change: c.9212A>G on transcript NM_182961.4 (MANE Select); coding-DNA position 9212, A replaced by G.
Protein change: p.Lys3071Arg; replaces lysine 3071 with arginine.
Molecular consequence: missense variant.
Genome position (GRCh38, 1-based): chr6:152,376,493, T>C on the plus strand (A>G on the coding strand, the complement: SYNE1 is on the minus strand). VCF-style: chr6-152376493-T-C. GRCh37 (hg19) VCF-style: chr6-152697628-T-C.
Other names: c.9233A>G, p.Lys3078Arg (NM_033071.5); short protein forms K3078R, K3071R.
Identifiers: ClinVar variation 4087798 (VCV004087798.1).